The following is an entry in ClinVar:

ClinVar aggregate classification (germline): Uncertain significance (1 of 4 stars; one submission).

Conditions:
Oculodentodigital dysplasia, autosomal recessive. Also called: OCULODENTOOSSEOUS DYSPLASIA, AUTOSOMAL RECESSIVE; ODDD, AUTOSOMAL RECESSIVE; ODOD, AUTOSOMAL RECESSIVE. Identifiers: Orphanet 2710, MedGen C2749477, MONDO:0009768, OMIM 257850.

Allele frequency attached by ClinVar (database versions not stated): gnomAD exomes below 0.00001; ExAC 0.00001; gnomAD 0.00001; TOPMed 0.00001.
gnomAD v4.1: 3 of 1,613,766 alleles (0.00019%); highest among the groups gnomAD compares: East Asian, 0.0045%; no homozygotes.

Submission:

Labcorp Genetics (formerly Invitae), Labcorp
Classification: Uncertain significance for Oculodentodigital dysplasia, autosomal recessive. Last evaluated: 2024-10-20. Review status: criteria provided, single submitter. Criteria: Invitae Variant Classification Sherloc (09022015). Collection method: clinical testing. Allele origin: germline.
Comment: This sequence change replaces threonine, which is neutral and polar, with isoleucine, which is neutral and non-polar, at codon 326 of the GJA1 protein (p.Thr326Ile). This variant is present in population databases (rs756914391, gnomAD 0.02%). This variant has not been reported in the literature in individuals affected with GJA1-related conditions. Invitae Evidence Modeling of protein sequence and biophysical properties (such as structural, functional, and spatial information, amino acid conservation, physicochemical variation, residue mobility, and thermodynamic stability) has been performed for this missense variant. However, the output from this modeling did not meet the statistical confidence thresholds required to predict the impact of this variant on GJA1 protein function. Experimental studies have shown that this missense change affects GJA1 function (PMID: 20130915). In summary, the available evidence is currently insufficient to determine the role of this variant in disease. Therefore, it has been classified as a Variant of Uncertain Significance.

Literature cited by the submitters: PubMed 20130915.

NM_000165.5(GJA1):c.977C>T (p.Thr326Ile)

Gene: GJA1 (gap junction protein alpha 1; plus strand). Cytogenetic location: 6q22.31.
Variant type: single nucleotide variant.
Coding change: c.977C>T on transcript NM_000165.5 (MANE Select); coding-DNA position 977, C replaced by T.
Protein change: p.Thr326Ile; replaces threonine 326 with isoleucine.
Molecular consequence: missense variant.
Genome position (GRCh38, 1-based): chr6:121,447,824, C>T. VCF-style: chr6-121447824-C-T. GRCh37 (hg19) VCF-style: chr6-121768970-C-T.
Other names: short protein forms T326I.
Identifiers: ClinVar variation 2734941 (VCV002734941.3), dbSNP rs756914391, ClinGen allele CA3981797.